The following is an entry in ClinVar:

NM_000059.4(BRCA2):c.3495T>C (p.His1165=)

Gene: BRCA2 (BRCA2 DNA repair associated; plus strand). Cytogenetic location: 13q13.1.
Variant type: single nucleotide variant.
Coding change: c.3495T>C on transcript NM_000059.4 (MANE Select); coding-DNA position 3495, T replaced by C.
Protein change: p.His1165=; no amino-acid change (histidine 1165 retained).
Molecular consequence: synonymous variant.
Genome position (GRCh38, 1-based): chr13:32,337,850, T>C. VCF-style: chr13-32337850-T-C. GRCh37 (hg19) VCF-style: chr13-32911987-T-C.
Identifiers: ClinVar variation 187721 (VCV000187721.31), dbSNP rs776655838, ClinGen allele CA018171.

ClinVar aggregate classification (germline): Benign. Review status: reviewed by expert panel (3 of 4 stars). 12 submissions from 11 submitters: Benign (1). 11 of the submissions do not count toward it. Last evaluated 2017-06-29.

Conditions:
BRCA2-related disorder. Also called: BRCA2-related condition; BRCA2-related disorders. Identifiers: MedGen CN239275.
Hereditary cancer-predisposing syndrome. Also called: Neoplastic Syndromes, Hereditary; Tumor predisposition; Hereditary neoplastic syndrome; Hereditary Cancer Syndrome. Identifiers: Orphanet 140162, MedGen C0027672, MeSH D009386, MONDO:0015356.
Hereditary breast ovarian cancer syndrome. Also called: Hereditary breast and/or ovarian cancer syndrome; Hereditary breast and ovarian cancer syndrome; Hereditary breast and ovarian cancer; Hereditary breast and ovarian cancer syndrome (HBOC); Breast and ovarian cancer; BRCA1- and BRCA2-Associated Hereditary Breast and Ovarian Cancer. Identifiers: Orphanet 145, MedGen C0677776, MeSH D061325, MONDO:0003582. Disease mechanism: loss of function.
Fanconi anemia complementation group D1. Also called: BRCA2-Related Fanconi Anemia. Identifiers: Orphanet 319462, MedGen C1838457, MONDO:0011584, OMIM 605724.
Breast-ovarian cancer, familial, susceptibility to, 2 (BROVCA2). Also called: BRCA2 Hereditary Breast and Ovarian Cancer. Identifiers: Orphanet 145, MedGen C2675520, MONDO:0012933, OMIM 612555. Disease mechanism: loss of function.

Allele frequency attached by ClinVar (database versions not stated): gnomAD 0.00001; TOPMed 0.00004; gnomAD exomes 0.00006 and 0.00014; ExAC 0.00011.
gnomAD v4.1: 36 of 1,613,980 alleles (0.0022%); highest among the groups gnomAD compares: Admixed American, 0.06%; no homozygotes.

Submissions (12):

Evidence-based Network for the Interpretation of Germline Mutant Alleles (ENIGMA)
Classification: Benign for Breast-ovarian cancer, familial, susceptibility to, 2. Last evaluated: 2017-06-29. Review status: reviewed by expert panel. Criteria: ENIGMA BRCA1/2 Classification Criteria (2017-06-29). Collection method: curation. Allele origin: germline.
Comment: Synonymous substitution variant, with low bioinformatic likelihood to alter mRNA splicing (splicing prior 0.02) and frequency 0.0011 (Admixed American/Latino), derived from ExAC (2014-12-17).

PreventionGenetics, part of Exact Sciences
Classification: Likely benign for BRCA2-related condition. Last evaluated: 2026-04-01. Review status: criteria provided, single submitter. Criteria: ACMG Guidelines, 2015. Collection method: clinical testing. Allele origin: germline. Not counted in ClinVar's aggregate classification.
Comment: This variant is classified as likely benign based on ACMG/AMP sequence variant interpretation guidelines (Richards et al. 2015 PMID: 25741868, with internal and published modifications).

Labcorp Genetics (formerly Invitae), Labcorp
Classification: Benign for Hereditary breast ovarian cancer syndrome. Last evaluated: 2026-01-27. Review status: criteria provided, single submitter. Criteria: Invitae Variant Classification Sherloc (09022015). Collection method: clinical testing. Allele origin: germline. Not counted in ClinVar's aggregate classification.

All of Us Research Program, National Institutes of Health
Classification: Likely benign for Breast-ovarian cancer, familial, susceptibility to, 2. Last evaluated: 2023-12-13. Review status: criteria provided, single submitter. Criteria: ACMG Guidelines, 2015. Collection method: clinical testing. Allele origin: germline. Inheritance: Autosomal dominant inheritance. Observed: 9 variant alleles, 9 heterozygotes. Not counted in ClinVar's aggregate classification.
Comment: This study involves interpretation of variants in research participants for the purpose of population health screening. Participant phenotype was not available at the time of variant classification. Additional details can be found in publication PMID: 35346344, PMCID: PMC8962531

Quest Diagnostics Nichols Institute San Juan Capistrano
Classification: Benign. Last evaluated: 2023-06-12. Review status: criteria provided, single submitter. Criteria: Quest Diagnostics criteria. Collection method: clinical testing. Allele origin: unknown. Not counted in ClinVar's aggregate classification.

Blueprint Genetics
Classification: Likely benign. Last evaluated: 2019-09-25. Review status: criteria provided, single submitter. Criteria: ACMG Guidelines, 2015. Collection method: clinical testing. Allele origin: germline. Not counted in ClinVar's aggregate classification.

Women's Health and Genetics/Laboratory Corporation of America, LabCorp
Classification: Benign. Last evaluated: 2019-03-12. Review status: criteria provided, single submitter. Criteria: LabCorp Variant Classification Summary - May 2015. Collection method: clinical testing. Allele origin: germline. Not counted in ClinVar's aggregate classification.
Comment: Variant summary: BRCA2 c.3495T>C alters a non-conserved nucleotide resulting in a synonymous change. 5/5 computational tools predict no significant impact on normal splicing. However, these predictions have yet to be confirmed by functional studies. The variant allele was found at a frequency of 0.00014 in 245628 control chromosomes - all occurrences were within the Latino subpopulation in the gnomAD database. The observed variant frequency within Latino control individuals in the gnomAD database is approximately equal to the estimated maximal expected allele frequency for a pathogenic variant in BRCA2 causing Hereditary Breast and Ovarian Cancer phenotype (0.00075), strongly suggesting that the variant is a benign polymorphism found primarily in populations of Latino origin. To our knowledge, no occurrence of c.3495T>C in individuals affected with Hereditary Breast and Ovarian Cancer and no experimental evidence demonstrating its impact on protein function have been reported. A co-occurrence with a pathogenic variant has been reported in our internal database (BRCA1 c.5123C>A, p.Ala1708Glu), providing supporting evidence for a benign role. Six ClinVar submissions from clinical diagnostic laboratories and reputable databases (evaluation after 2014) cite the variant as benign (2x), likely benign (3x) and once as uncertain significance. Based on the evidence outlined above, the variant was classified as benign.

GeneDx
Classification: Likely benign. Last evaluated: 2018-02-21. Review status: criteria provided, single submitter. Criteria: GeneDx Variant Classification (06012015). Collection method: clinical testing. Allele origin: germline. Affected: yes. Not counted in ClinVar's aggregate classification.
Comment: This variant is considered likely benign or benign based on one or more of the following criteria: it is a conservative change, it occurs at a poorly conserved position in the protein, it is predicted to be benign by multiple in silico algorithms, and/or has population frequency not consistent with disease.

Illumina Laboratory Services, Illumina
Classification: Uncertain significance for Breast-ovarian cancer, familial, susceptibility to, 2. Last evaluated: 2018-01-13. Review status: criteria provided, single submitter. Criteria: ICSL Variant Classification Criteria 13 December 2019. Collection method: clinical testing. Allele origin: germline. Not counted in ClinVar's aggregate classification.

Illumina Laboratory Services, Illumina
Classification: Uncertain significance for Fanconi anemia complementation group D1. Last evaluated: 2018-01-13. Review status: criteria provided, single submitter. Criteria: ICSL Variant Classification Criteria 13 December 2019. Collection method: clinical testing. Allele origin: germline. Not counted in ClinVar's aggregate classification.

Color Diagnostics, LLC DBA Color Health
Classification: Likely benign for Hereditary cancer-predisposing syndrome. Last evaluated: 2017-02-10. Review status: criteria provided, single submitter. Criteria: ACMG Guidelines, 2015. Collection method: clinical testing. Allele origin: germline. Not counted in ClinVar's aggregate classification.

Ambry Genetics
Classification: Likely benign for Hereditary cancer-predisposing syndrome. Last evaluated: 2015-01-04. Review status: criteria provided, single submitter. Criteria: Ambry Variant Classification Scheme 2023. Collection method: clinical testing. Allele origin: germline. Not counted in ClinVar's aggregate classification.